The following is an entry in ClinVar:

ClinVar aggregate classification (germline): Uncertain significance. Review status: criteria provided, multiple submitters, no conflicts (2 of 4 stars). 4 submissions from 4 submitters: Uncertain significance (4). Last evaluated 2026-01-27.

Conditions:
Multiple endocrine neoplasia, type 2 (MEN2). Identifiers: Orphanet 653, MedGen C4048306, MONDO:0019003. Disease mechanism: gain of function.
Familial medullary thyroid carcinoma (MTC). Also called: Familial Medullary Thyroid Carcinoma (FMTC); Thyroid cancer, familial medullary; MTC, familial. Identifiers: Orphanet 653, Orphanet 99361, MedGen C1833921, MONDO:0007958, OMIM 155240.
Pheochromocytoma. Also called: MAX-Related Hereditary Paraganglioma-Pheochromocytoma Syndrome. Identifiers: Orphanet 29072, MedGen C0031511, MONDO:0008233, OMIM 171300, HP:0002666.
Multiple endocrine neoplasia type 2A. Also called: Multiple Endocrine Neoplasia Type 2A (MEN2A); MULTIPLE ENDOCRINE NEOPLASIA, TYPE IIA; PTC SYNDROME; SIPPLE SYNDROME; MEN 2A; MEN-2A syndrome. Identifiers: Orphanet 247698, Orphanet 653, MedGen C0025268, MeSH D018813, MONDO:0008234, OMIM 171400.
Hirschsprung disease, susceptibility to, 1 (HSCR1). Also called: RET-Related Hirschsprung Disease. Identifiers: Orphanet 388, MedGen C3888239, MONDO:0007723, OMIM 142623.
Multiple endocrine neoplasia type 2B. Also called: WAGENMANN-FROBOESE SYNDROME; MULTIPLE ENDOCRINE NEOPLASIA, TYPE III; MUCOSAL NEUROMA SYNDROME; Multiple Endocrine Neoplasia Type 2B (MEN2B); Multiple endocrine neoplasia, type 3; MULTIPLE ENDOCRINE NEOPLASIA, TYPE IIB. Identifiers: Orphanet 247709, Orphanet 653, MedGen C0025269, MeSH D018814, MONDO:0008082, OMIM 162300.
Hereditary cancer-predisposing syndrome. Also called: Hereditary Cancer Syndrome; Hereditary neoplastic syndrome; Tumor predisposition; Neoplastic Syndromes, Hereditary. Identifiers: Orphanet 140162, MedGen C0027672, MeSH D009386, MONDO:0015356.

Allele frequency attached by ClinVar (database versions not stated): gnomAD exomes 0.00001.

Submissions (4):

Labcorp Genetics (formerly Invitae), Labcorp
Classification: Uncertain significance for Multiple endocrine neoplasia, type 2. Last evaluated: 2026-01-27. Review status: criteria provided, single submitter. Criteria: Invitae Variant Classification Sherloc (09022015). Collection method: clinical testing. Allele origin: germline.
Comment: This sequence change replaces methionine, which is neutral and non-polar, with leucine, which is neutral and non-polar, at codon 1008 of the RET protein (p.Met1008Leu). This variant is not present in population databases (gnomAD no frequency). This variant has not been reported in the literature in individuals affected with RET-related conditions. ClinVar contains an entry for this variant (Variation ID: 486329). An algorithm developed to predict the effect of missense changes on protein structure and function (PolyPhen-2) suggests that this variant is likely to be tolerated. In summary, the available evidence is currently insufficient to determine the role of this variant in disease. Therefore, it has been classified as a Variant of Uncertain Significance.

Ambry Genetics
Classification: Uncertain significance for Hereditary cancer-predisposing syndrome. Last evaluated: 2024-02-29. Review status: criteria provided, single submitter. Criteria: Ambry Variant Classification Scheme 2023. Collection method: clinical testing. Allele origin: germline.
Comment: The p.M1008L variant (also known as c.3022A>T), located in coding exon 18 of the RET gene, results from an A to T substitution at nucleotide position 3022. The methionine at codon 1008 is replaced by leucine, an amino acid with highly similar properties. This amino acid position is highly conserved in available vertebrate species. In addition, the in silico prediction for this alteration is inconclusive. Since supporting evidence is limited at this time, the clinical significance of this alteration remains unclear.

Blueprint Genetics
Classification: Uncertain significance. Last evaluated: 2022-07-22. Review status: criteria provided, single submitter. Criteria: ACMG Guidelines, 2015. Collection method: clinical testing. Allele origin: germline.

Fulgent Genetics
Classification: Uncertain significance for Hirschsprung disease, susceptibility to, 1; Familial medullary thyroid carcinoma; Multiple endocrine neoplasia type 2B; Pheochromocytoma; Multiple endocrine neoplasia type 2A. Last evaluated: 2022-02-03. Review status: criteria provided, single submitter. Criteria: ACMG Guidelines, 2015. Collection method: clinical testing. Allele origin: unknown.

NM_020975.6(RET):c.3022A>T (p.Met1008Leu)

Gene: RET (ret proto-oncogene; plus strand). Cytogenetic location: 10q11.21.
Variant type: single nucleotide variant.
Coding change: c.3022A>T on transcript NM_020975.6 (MANE Select); coding-DNA position 3022, A replaced by T.
Protein change: p.Met1008Leu; replaces methionine 1008 with leucine.
Molecular consequence: missense variant.
Genome position (GRCh38, 1-based): chr10:43,124,965, A>T. VCF-style: chr10-43124965-A-T. GRCh37 (hg19) VCF-style: chr10-43620413-A-T.
Other names: c.3022A>T, p.Met1008Leu (NM_000323.2, NM_001406743.1, NM_001406744.1 and 4 more transcripts); c.2260A>T, p.Met754Leu (NM_001355216.2); c.2893A>T, p.Met965Leu (NM_001406761.1, NM_001406762.1, NM_001406764.1); c.2584A>T, p.Met862Leu (NM_001406773.1, NM_001406771.1); c.2497A>T, p.Met833Leu (NM_001406774.1); c.2296A>T, p.Met766Leu (NM_001406775.1, NM_001406776.1, NM_001406777.1 and 1 more transcripts); c.2125A>T, p.Met709Leu (NM_001406779.1, NM_001406780.1, NM_001406781.1 and 1 more transcripts); c.1573A>T, p.Met525Leu (NM_001406792.1, NM_001406793.1, NM_001406794.1); and 10 more; short protein forms M1008L, M754L, M525L, M669L, M678L, M912L, M920L, M963L.
Identifiers: ClinVar variation 486329 (VCV000486329.15), dbSNP rs1554820077, ClinGen allele CA376558209.